The following is an entry in ClinVar:

NM_001009944.3(PKD1):c.789_843del (p.Leu264fs)

Gene: PKD1 (polycystin 1, transient receptor potential channel interacting; minus strand). Cytogenetic location: 16p13.3.
Variant type: Deletion.
Coding change: c.789_843del on transcript NM_001009944.3 (MANE Select); coding-DNA positions 789 to 843, 55 bases deleted.
Protein change: p.Leu264fs; shifts the reading frame from leucine 264.
Molecular consequence: frameshift variant.
Genome position (GRCh38, 1-based): chr16:2,118,149-2,118,203, 55 bases deleted. GRCh37 (hg19): chr16:2,168,160-2,168,214.
Other names: c.789_843del, p.Leu264fs (NM_000296.4); short protein forms L264fs.
Identifiers: ClinVar variation 805186 (VCV000805186.1), dbSNP rs1596590005, ClinGen allele CA915949034.

ClinVar aggregate classification (germline): Likely pathogenic (1 of 4 stars; one submission).

Submission:

Athena Diagnostics
Classification: Likely pathogenic. Last evaluated: 2019-05-09. Review status: criteria provided, single submitter. Criteria: Athena Diagnostics Criteria. Collection method: clinical testing. Allele origin: germline.
Comment: The variant results in a shift of the reading frame, and is therefore predicted to result in the loss of a functional protein. Not found in the total gnomAD dataset, and the data is high quality (0/224300 chr).